The following is an entry in ClinVar:

NM_173660.5(DOK7):c.1049G>A (p.Ser350Asn)

Gene: DOK7 (docking protein 7; plus strand). Cytogenetic location: 4p16.3.
Variant type: single nucleotide variant.
Coding change: c.1049G>A on transcript NM_173660.5 (MANE Select); coding-DNA position 1049, G replaced by A.
Protein change: p.Ser350Asn; replaces serine 350 with asparagine.
Molecular consequence: missense variant. On other transcripts: 3 prime UTR variant (1).
Genome position (GRCh38, 1-based): chr4:3,493,035, G>A. VCF-style: chr4-3493035-G-A. GRCh37 (hg19) VCF-style: chr4-3494762-G-A.
Other names: c.*270G>A (NM_001164673.2); c.119G>A, p.Ser40Asn (NM_001256896.2); c.1049G>A, p.Ser350Asn (NM_001301071.2); c.617G>A, p.Ser206Asn (NM_001363811.2); short protein forms S206N, S350N, S40N.
Identifiers: ClinVar variation 840860 (VCV000840860.9), dbSNP rs1728615373, ClinGen allele CA356117257.

ClinVar aggregate classification (germline): Uncertain significance (1 of 4 stars; one submission).

Conditions:
Fetal akinesia deformation sequence 1 (FADS1). Also called: Pena-Shokeir syndrome type I; Fetal akinesia sequence. Identifiers: Orphanet 994, MedGen C1276035, MONDO:0100101, OMIM 208150, HP:0001989.
Congenital myasthenic syndrome 10. Also called: Myasthenia, limb-girdle, familial. Identifiers: Orphanet 590, MedGen C1850792, MONDO:0009690, OMIM 254300.

gnomAD v4.1: 2 of 1,571,494 alleles (0.00013%); highest among the groups gnomAD compares: Non-Finnish European, 0.00017%; no homozygotes.

Submission:

Labcorp Genetics (formerly Invitae), Labcorp
Classification: Uncertain significance for Congenital myasthenic syndrome 10; Fetal akinesia deformation sequence 1. Last evaluated: 2021-01-15. Review status: criteria provided, single submitter. Criteria: Invitae Variant Classification Sherloc (09022015). Collection method: clinical testing. Allele origin: germline.
Comment: This sequence change replaces serine with asparagine at codon 350 of the DOK7 protein (p.Ser350Asn). The serine residue is weakly conserved and there is a small physicochemical difference between serine and asparagine. The frequency data for this variant in the population databases is considered unreliable, as metrics indicate insufficient coverage at this position in the ExAC database. This variant has not been reported in the literature in individuals with DOK7-related conditions. Algorithms developed to predict the effect of missense changes on protein structure and function are either unavailable or do not agree on the potential impact of this missense change (SIFT: "Deleterious"; PolyPhen-2: "Benign"; Align-GVGD: "Class C0"). In summary, the available evidence is currently insufficient to determine the role of this variant in disease. Therefore, it has been classified as a Variant of Uncertain Significance.